The following is an entry in ClinVar:

ClinVar aggregate classification (germline): Pathogenic. Review status: criteria provided, multiple submitters, no conflicts (2 of 4 stars). 5 submissions from 5 submitters: Pathogenic (5). Last evaluated 2026-08-12.

Conditions:
Purine-nucleoside phosphorylase deficiency. Also called: Immunodeficiency due to purine nucleoside phosphorylase deficiency; NUCLEOSIDE PHOSPHORYLASE DEFICIENCY. Identifiers: Orphanet 760, MedGen C0268125, MONDO:0013171, OMIM 613179.
Severe combined immunodeficiency disease. Also called: Severe combined immunodeficiency; Severe Combined Immune Deficiency. Identifiers: Orphanet 183660, MedGen C0085110, MeSH D016511, MONDO:0015974, HP:0004430. Inheritance: X-Linked or Autosomal recessive.

gnomAD v4.1: 4 of 1,614,050 alleles (0.00025%); highest among the groups gnomAD compares: Admixed American, 0.0017%; no homozygotes.

Submissions (5):

GeneDx
Classification: Pathogenic. Last evaluated: 2026-08-12. Review status: criteria provided, single submitter. Criteria: GeneDx Variant Classification Process June 2021. Collection method: clinical testing. Allele origin: germline.
Comment: Not observed at significant frequency in large population cohorts (gnomAD); Nonsense variant predicted to result in protein truncation or nonsense mediated decay in a gene for which loss of function is a known mechanism of disease; This variant is associated with the following publications: (PMID: 30778343, 23108471, 24479338, 22132981, 22669887)

Labcorp Genetics (formerly Invitae), Labcorp
Classification: Pathogenic for Purine-nucleoside phosphorylase deficiency. Last evaluated: 2025-06-02. Review status: criteria provided, single submitter. Criteria: Invitae Variant Classification Sherloc (09022015). Collection method: clinical testing. Allele origin: germline.
Comment: This sequence change creates a premature translational stop signal (p.Arg67*) in the PNP gene. It is expected to result in an absent or disrupted protein product. Loss-of-function variants in PNP are known to be pathogenic (PMID: 24767876). This variant is present in population databases (no rsID available, gnomAD 0.0009%). This premature translational stop signal has been observed in individual(s) with clinical features of purine nucleoside phosphorylase deficiency in the homozygous state (PMID: 22132981, 22669887, 30778343). ClinVar contains an entry for this variant (Variation ID: 1344922). Algorithms developed to predict the effect of sequence changes on RNA splicing suggest that this variant may disrupt the consensus splice site. For these reasons, this variant has been classified as Pathogenic.

Variantyx, Inc.
Classification: Pathogenic for Purine-nucleoside phosphorylase deficiency. Last evaluated: 2025-03-27. Review status: criteria provided, single submitter. Criteria: Variantyx Assertion Criteria 2022. Collection method: clinical testing. Allele origin: germline. Affected: yes.
Comment: This is a nonsense variant in the PNP gene (OMIM: 164050). Pathogenic variants in this gene have been associated with autosomal recessive immunodeficiency due to purine nucleoside phosphorylase deficiency. This variant introduces a premature termination codon in exon 3 out of 6. It is expected to result in loss of function, which is a known disease mechanism for PNP in this disorder (PVS1). This variant has a 0.0022% maximum allele frequency in non-founder control populations (PM2_Supporting). Based on the current evidence, this variant is classified as pathogenic for autosomal recessive immunodeficiency due to purine nucleoside phosphorylase deficiency.

Women's Health and Genetics/Laboratory Corporation of America, LabCorp
Classification: Pathogenic for Severe combined immunodeficiency disease. Last evaluated: 2024-12-18. Review status: criteria provided, single submitter. Criteria: LabCorp Variant Classification Summary - May 2015. Collection method: clinical testing. Allele origin: germline.
Comment: Variant summary: PNP c.199C>T (p.Arg67X) results in a premature termination codon, predicted to cause a truncation of the encoded protein or absence of the protein due to nonsense mediated decay, which are commonly known mechanisms for disease. The variant allele was found at a frequency of 4e-06 in 251474 control chromosomes. c.199C>T has been reported in the homozygous state in the literature in at least 1 individual affected with Severe Combined Immunodeficiency (example, Aluri_2019). The following publication has been ascertained in the context of this evaluation (PMID: 30778343). ClinVar contains an entry for this variant (Variation ID: 1344922). Based on the evidence outlined above, the variant was classified as pathogenic.

Clinical Immunology, Karolinska University Hospital
Classification: Pathogenic for Purine-nucleoside phosphorylase deficiency. Last evaluated: 2024-08-14. Review status: criteria provided, single submitter. Criteria: ACMG Guidelines, 2015. Collection method: clinical testing. Allele origin: germline. Inheritance: Autosomal recessive inheritance. Affected: yes.

Literature cited by the submitters: PubMed 24767876 (cited by Labcorp Genetics (formerly Invitae), Labcorp); PubMed 22132981 (cited by Labcorp Genetics (formerly Invitae), Labcorp); PubMed 22669887 (cited by Labcorp Genetics (formerly Invitae), Labcorp); PubMed 30778343 (cited by Labcorp Genetics (formerly Invitae), Labcorp and Women's Health and Genetics/Laboratory Corporation of America, LabCorp).

NM_000270.4(PNP):c.199C>T (p.Arg67Ter)

Gene: PNP (purine nucleoside phosphorylase; plus strand). Cytogenetic location: 14q11.2.
Variant type: single nucleotide variant.
Coding change: c.199C>T on transcript NM_000270.4 (MANE Select); coding-DNA position 199, C replaced by T.
Protein change: p.Arg67Ter; replaces arginine 67 with a stop codon.
Molecular consequence: nonsense.
Genome position (GRCh38, 1-based): chr14:20,474,489, C>T. VCF-style: chr14-20474489-C-T. GRCh37 (hg19) VCF-style: chr14-20942648-C-T.
Other names: short protein forms R67*.
Identifiers: ClinVar variation 1344922 (VCV001344922.12), dbSNP rs754734713, ClinGen allele CA389144867.